The following is an entry in ClinVar:

ClinVar aggregate classification (germline): Uncertain significance. Review status: criteria provided, multiple submitters, no conflicts (2 of 4 stars). 5 submissions from 5 submitters: Uncertain significance (3). 2 of the submissions do not count toward it. Last evaluated 2026-02-05.

Conditions:
Cerebrooculofacioskeletal syndrome 2 (COFS2). Identifiers: MedGen C1853102, MONDO:0012553, OMIM 610756.

Allele frequency attached by ClinVar (database versions not stated): gnomAD 0.00001 and 0.00003; gnomAD exomes 0.00004; TOPMed 0.00006; ESP Exome Variant Server 0.00008; 1000 Genomes Project 30x 0.00047; 1000 Genomes Project 0.00040.
gnomAD v4.1: 23 of 1,614,076 alleles (0.0014%); highest among the groups gnomAD compares: Admixed American, 0.0083%; no homozygotes.

Submissions (5):

GeneDx
Classification: Uncertain significance. Last evaluated: 2026-02-05. Review status: criteria provided, single submitter. Criteria: GeneDx Variant Classification Process June 2021. Collection method: clinical testing. Allele origin: germline.
Comment: In silico analysis supports that this missense variant has a deleterious effect on protein structure/function; Has not been previously published as pathogenic or benign germline variant to our knowledge

3billion
Classification: Uncertain significance for Cerebrooculofacioskeletal syndrome 2. Last evaluated: 2024-07-30. Review status: criteria provided, single submitter. Criteria: ACMG Guidelines, 2015. Collection method: clinical testing. Allele origin: germline. Affected: yes.
Comment: The variant is observed at an extremely low frequency in the gnomAD v4.0.0 dataset (total allele frequency: 0.004%). In silico tool predictions suggest damaging effect of the variant on gene or gene product [REVEL: 0.67 (>=0.6); 3Cnet: 0.71 (>=0.6)]. The same nucleotide change resulting in the same amino acid change has been previously reported to be associated with ERCC2-related disorder (ClinVar ID: VCV000134093 / 3billion dataset). Therefore, this variant is classified as uncertain significance according to the recommendation of ACMG/AMP guideline.

Labcorp Genetics (formerly Invitae), Labcorp
Classification: Uncertain significance. Last evaluated: 2022-08-23. Review status: criteria provided, single submitter. Criteria: Invitae Variant Classification Sherloc (09022015). Collection method: clinical testing. Allele origin: germline.
Comment: This sequence change replaces arginine, which is basic and polar, with cysteine, which is neutral and slightly polar, at codon 497 of the ERCC2 protein (p.Arg497Cys). This variant is present in population databases (rs199738290, gnomAD 0.02%). This variant has not been reported in the literature in individuals affected with ERCC2-related conditions. ClinVar contains an entry for this variant (Variation ID: 134093). Algorithms developed to predict the effect of missense changes on protein structure and function are either unavailable or do not agree on the potential impact of this missense change (SIFT: "Deleterious"; PolyPhen-2: "Benign"; Align-GVGD: "Class C0"). In summary, the available evidence is currently insufficient to determine the role of this variant in disease. Therefore, it has been classified as a Variant of Uncertain Significance.

ITMI
No classification provided. Condition: AllHighlyPenetrant. Last evaluated: 2013-09-19. Review status: no classification provided. Collection method: reference population. Allele origin: germline. Not counted in ClinVar's aggregate classification.
Comment: Please see associated publication for description of ethnicities

Department of Pathology and Laboratory Medicine, Sinai Health System
Classification: Uncertain significance. Review status: no assertion criteria provided. Collection method: clinical testing. Allele origin: unknown. Affected: yes. Study: The Canadian Open Genetics Repository (COGR). Not counted in ClinVar's aggregate classification.
Comment: The ERCC2 p.Arg497Cys variant was not identified in the literature nor was it identified in Cosmic or LOVD 3.0. The variant was identified in dbSNP (ID: rs199738290) and ClinVar (classification not provided, submitted by ITMI). The variant was identified in control databases in 11 of 25143000 chromosomes at a frequency of 0.00004375 (Genome Aggregation Database March 6, 2019, v2.1.1). The variant was observed in the following populations: East Asian in 3 of 18392 chromosomes (freq: 0.000163), Latino in 4 of 34590 chromosomes (freq: 0.000116) and European (non-Finnish) in 4 of 113746 chromosomes (freq: 0.000035), but was not observed in the African, Ashkenazi Jewish, European (Finnish), Other and South Asian populations. The p.Arg497 residue is conserved in mammals and computational analyses (PolyPhen-2, SIFT, AlignGVGD, BLOSUM, MutationTaster) provide inconsistent predictions regarding the impact to the protein; this information is not very predictive of pathogenicity. The variant occurs outside of the splicing consensus sequence and in silico or computational prediction software programs (SpliceSiteFinder, MaxEntScan, NNSPLICE, GeneSplicer) do not predict a difference in splicing. In summary, based on the above information the clinical significance of this variant cannot be determined with certainty at this time. This variant is classified as a variant of uncertain significance.

Literature cited by the submitters: PubMed 24728327 (cited by ITMI).

NM_000400.4(ERCC2):c.1489C>T (p.Arg497Cys)

Gene: ERCC2 (ERCC excision repair 2, TFIIH core complex helicase subunit; minus strand). Cytogenetic location: 19q13.32.
Variant type: single nucleotide variant.
Coding change: c.1489C>T on transcript NM_000400.4 (MANE Select); coding-DNA position 1489, C replaced by T.
Protein change: p.Arg497Cys; replaces arginine 497 with cysteine.
Molecular consequence: missense variant.
Genome position (GRCh38, 1-based): chr19:45,355,719, G>A on the plus strand (C>T on the coding strand, the complement: ERCC2 is on the minus strand). VCF-style: chr19-45355719-G-A. GRCh37 (hg19) VCF-style: chr19-45858977-G-A.
Other names: short protein forms R497C.
Identifiers: ClinVar variation 134093 (VCV000134093.10), dbSNP rs199738290, ClinGen allele CA158748.